The following is an entry in ClinVar:

ClinVar aggregate classification (germline): Conflicting classifications of pathogenicity. Review status: criteria provided, conflicting classifications (1 of 4 stars). 5 submissions from 5 submitters: Likely pathogenic (1); Uncertain significance (4). Last evaluated 2023-09-01.

Conditions:
Floppy infant. Also called: Infantile muscular hypotonia. Identifiers: MedGen C1860834, HP:0008947.
Delayed speech and language development. Also called: Language delay. Identifiers: MedGen C0454644, HP:0000750.
Premature birth. Identifiers: MedGen C0151526, HP:0001622.
Cafe au lait spots, multiple. Also called: Neurofibromatosis type 6. Identifiers: Orphanet 2678, MedGen C1861975, MONDO:0007245, OMIM 114030, HP:0007565. Disease mechanism: loss of function.
Neurofibromatosis, type 1 (NF1). Also called: Peripheral type neurofibromatosis; NEUROFIBROMATOSIS, TYPE I, SOMATIC; Neurofibromatosis, type I; VON RECKLINGHAUSEN DISEASE. Identifiers: Orphanet 636, MedGen C0027831, MONDO:0018975, OMIM 162200. Disease mechanism: loss of function.

Submissions (5):

Blueprint Genetics
Classification: Uncertain significance. Last evaluated: 2023-09-01. Review status: criteria provided, single submitter. Criteria: ACMG Guidelines, 2015. Collection method: clinical testing. Allele origin: germline.

GeneDx
Classification: Likely pathogenic. Last evaluated: 2023-07-25. Review status: criteria provided, single submitter. Criteria: GeneDx Variant Classification Process June 2021. Collection method: clinical testing. Allele origin: germline. Affected: yes.
Comment: In silico analysis supports that this missense variant has a deleterious effect on protein structure/function; Not observed at significant frequency in large population cohorts (gnomAD); Has not been previously published as pathogenic or benign to our knowledge

Labcorp Genetics (formerly Invitae), Labcorp
Classification: Uncertain significance for Neurofibromatosis, type 1. Last evaluated: 2023-04-30. Review status: criteria provided, single submitter. Criteria: Invitae Variant Classification Sherloc (09022015). Collection method: clinical testing. Allele origin: germline.
Comment: This sequence change replaces alanine, which is neutral and non-polar, with threonine, which is neutral and polar, at codon 2016 of the NF1 protein (p.Ala2016Thr). This variant is not present in population databases (gnomAD no frequency). In summary, the available evidence is currently insufficient to determine the role of this variant in disease. Therefore, it has been classified as a Variant of Uncertain Significance. Advanced modeling of protein sequence and biophysical properties (such as structural, functional, and spatial information, amino acid conservation, physicochemical variation, residue mobility, and thermodynamic stability) performed at Invitae indicates that this missense variant is expected to disrupt NF1 protein function. ClinVar contains an entry for this variant (Variation ID: 523348). This variant has not been reported in the literature in individuals affected with NF1-related conditions.

Genome-Nilou Lab
Classification: Uncertain significance for Neurofibromatosis, type 1. Last evaluated: 2022-03-15. Review status: criteria provided, single submitter. Criteria: ACMG Guidelines, 2015. Collection method: clinical testing. Allele origin: germline. Affected: no.

Centre for Mendelian Genomics, University Medical Centre Ljubljana
Classification: Uncertain significance for Delayed speech and language development; Floppy infant; Cafe au lait spots, multiple; Premature birth. Last evaluated: 2017-01-01. Review status: criteria provided, single submitter. Criteria: ACMG Guidelines, 2015. Collection method: clinical testing. Allele origin: unknown. Affected: yes.

NM_001042492.3(NF1):c.6109G>A (p.Ala2037Thr)

Gene: NF1 (neurofibromin 1; plus strand). Cytogenetic location: 17q11.2.
Variant type: single nucleotide variant.
Coding change: c.6109G>A on transcript NM_001042492.3 (MANE Select); coding-DNA position 6109, G replaced by A.
Protein change: p.Ala2037Thr; replaces alanine 2037 with threonine.
Molecular consequence: missense variant.
Genome position (GRCh38, 1-based): chr17:31,336,435, G>A. VCF-style: chr17-31336435-G-A. GRCh37 (hg19) VCF-style: chr17-29663453-G-A.
Other names: c.6046G>A, p.Ala2016Thr (NM_000267.4); short protein forms A2016T, A2037T.
Identifiers: ClinVar variation 523348 (VCV000523348.12), dbSNP rs1555534612, ClinGen allele CA399011392.